The following is an entry in ClinVar:

ClinVar aggregate classification (germline): Uncertain significance (1 of 4 stars; one submission).

Submission:

GeneDx
Classification: Uncertain significance. Last evaluated: 2022-08-16. Review status: criteria provided, single submitter. Criteria: GeneDx Variant Classification Process June 2021. Collection method: clinical testing. Allele origin: germline. Affected: yes.
Comment: Not observed at significant frequency in large population cohorts (gnomAD); Frameshift variant predicted to result in protein truncation as the last 81 amino acids are replaced with 23 different amino acids, although loss-of-function variants have not been reported downstream of this position in the protein; Has not been previously published as pathogenic or benign to our knowledge

NM_001371928.1(AHDC1):c.4567del (p.Arg1523fs)

Gene: AHDC1 (AT-hook DNA binding motif containing 1; minus strand). Cytogenetic location: 1p36.11.
Variant type: Deletion.
Coding change: c.4567del on transcript NM_001371928.1 (MANE Select); coding-DNA position 4567, one base deleted (C; older notation c.4567delC).
Protein change: p.Arg1523fs; shifts the reading frame from arginine 1523.
Molecular consequence: frameshift variant.
Genome position (GRCh38, 1-based): chr1:27,547,549, G deleted on the plus strand (C on the coding strand, the reverse complement: AHDC1 is on the minus strand); the first of 3 consecutive G bases (chr1:27,547,549-27,547,551); deleting any one gives the same sequence. VCF-style (leftmost placement, unchanged base first): chr1-27547548-CG-C. GRCh37 (hg19) VCF-style: chr1-27874059-CG-C.
Other names: c.4567del, p.Arg1523fs (NM_001029882.3); c.521delC, p.Arg175Glyfs (NM_015699.1); short protein forms R1523fs.
Identifiers: ClinVar variation 2442681 (VCV002442681.1), dbSNP rs2521783953, ClinGen allele CA2580062661.